The following is an entry in ClinVar:

NM_001365276.2(TNXB):c.3062del (p.Pro1021fs)

Gene: TNXB (tenascin XB; minus strand). Cytogenetic location: 6p21.33.
Variant type: Deletion.
Coding change: c.3062del on transcript NM_001365276.2 (MANE Select); coding-DNA position 3062, one base deleted (C; older notation c.3062delC).
Protein change: p.Pro1021fs; shifts the reading frame from proline 1021.
Molecular consequence: frameshift variant.
Genome position (GRCh38, 1-based): chr6:32,085,836, G deleted on the plus strand (C on the coding strand, the reverse complement: TNXB is on the minus strand); the first of 5 consecutive G bases (chr6:32,085,836-32,085,840); deleting any one gives the same sequence. VCF-style (leftmost placement, unchanged base first): chr6-32085835-AG-A. GRCh37 (hg19) VCF-style: chr6-32053612-AG-A.
Other names: c.3803del, p.Pro1268fs (NM_001428335.1); c.3062del, p.Pro1021fs (NM_019105.8); short protein forms P1021fs, P1268fs.
Identifiers: ClinVar variation 5014242 (VCV005014242.1).
Genomic context (GRCh38, chr6:32,085,835, plus strand): 5'-GTCAGAGGGCTTGCCCCCAGGAGGGACCCCATGAAGTGACAGCTCATACGGGGTTCCAGG[AG>A]GGGGTGGAGGCACCAGAGCCTGGCGGACGTCCCCTGGCAGCACTTCCTCATGTGCCCCCG-3'

ClinVar aggregate classification (germline): Pathogenic (1 of 4 stars; one submission).

Conditions:
Ehlers-Danlos syndrome due to tenascin-X deficiency (EDSCLL1). Also called: Ehlers-Danlos syndrome, classic-like, 1; EHLERS-DANLOS SYNDROME, CLASSIC-LIKE; TNXB-Related Classical-Like Ehlers-Danlos Syndrome; EDS DUE TO TNX DEFICIENCY; TNX DEFICIENCY. Identifiers: Orphanet 230839, MedGen C1848029, MONDO:0011670, OMIM 606408.

Submission:

Myriad Genetics, Inc.
Classification: Pathogenic for Ehlers-Danlos syndrome due to tenascin-X deficiency. Last evaluated: 2025-03-21. Review status: criteria provided, single submitter. Criteria: Myriad Autosomal Dominant, Autosomal Recessive and X-Linked Classification Criteria (2023). Collection method: clinical testing. Allele origin: unknown.
Comment: NM_019105.6(TNXB):c.3062delC(P1021Lfs*48) is expected to be pathogenic in the context of classical-like Ehlers-Danlos syndrome, TNXB-related. This variant is predicted to lead to an abnormal or absent protein product due to the creation of a premature termination codon in TNXB, a gene where loss-of-function variants are known to be pathogenic. Please note: this variant was assessed in the context of healthy population screening.